The following is an entry in ClinVar:

NM_001843.4(CNTN1):c.1540G>A (p.Ala514Thr)

Gene: CNTN1 (contactin 1; plus strand). Cytogenetic location: 12q12.
Variant type: single nucleotide variant.
Coding change: c.1540G>A on transcript NM_001843.4 (MANE Select); coding-DNA position 1540, G replaced by A.
Protein change: p.Ala514Thr; replaces alanine 514 with threonine.
Molecular consequence: missense variant.
Genome position (GRCh38, 1-based): chr12:40,944,027, G>A. VCF-style: chr12-40944027-G-A. GRCh37 (hg19) VCF-style: chr12-41337829-G-A.
Other names: c.1540G>A (NM_001843.2); c.1540G>A, p.Ala514Thr (NM_001256063.2, NM_001256064.2); c.1507G>A, p.Ala503Thr (NM_175038.2); short protein forms A503T, A514T.
Identifiers: ClinVar variation 640567 (VCV000640567.9), dbSNP rs1167071121, ClinGen allele CA384424858.

ClinVar aggregate classification (germline): Uncertain significance. Review status: criteria provided, multiple submitters, no conflicts (2 of 4 stars). 2 submissions from 2 submitters: Uncertain significance (2). Last evaluated 2025-10-15.

Conditions:
Inborn genetic diseases. Identifiers: MedGen C0950123, MeSH D030342.
Compton-North congenital myopathy (CMYO12). Identifiers: Orphanet 210163, MedGen C2675527, MONDO:0012929, OMIM 612540.

Allele frequency attached by ClinVar (database versions not stated): gnomAD exomes below 0.00001; TOPMed 0.00001.
gnomAD v4.1: 3 of 1,613,462 alleles (0.00019%); highest among the groups gnomAD compares: South Asian, 0.0011%; no homozygotes.

Submissions (2):

Ambry Genetics
Classification: Uncertain significance for Inborn genetic diseases. Last evaluated: 2025-10-15. Review status: criteria provided, single submitter. Criteria: Ambry Variant Classification Scheme 2023. Collection method: clinical testing. Allele origin: germline.

Labcorp Genetics (formerly Invitae), Labcorp
Classification: Uncertain significance for Compton-North congenital myopathy. Last evaluated: 2021-11-21. Review status: criteria provided, single submitter. Criteria: Invitae Variant Classification Sherloc (09022015). Collection method: clinical testing. Allele origin: germline.
Comment: This sequence change replaces alanine, which is neutral and non-polar, with threonine, which is neutral and polar, at codon 514 of the CNTN1 protein (p.Ala514Thr). In summary, the available evidence is currently insufficient to determine the role of this variant in disease. Therefore, it has been classified as a Variant of Uncertain Significance. Advanced modeling of protein sequence and biophysical properties (such as structural, functional, and spatial information, amino acid conservation, physicochemical variation, residue mobility, and thermodynamic stability) performed at Invitae indicates that this missense variant is not expected to disrupt CNTN1 protein function. ClinVar contains an entry for this variant (Variation ID: 640567). This variant has not been reported in the literature in individuals affected with CNTN1-related conditions. This variant is not present in population databases (gnomAD no frequency).